The following is an entry in ClinVar:

NM_004606.5(TAF1):c.977C>T (p.Thr326Ile)

Gene: TAF1 (TATA-box binding protein associated factor 1; plus strand). Cytogenetic location: Xq13.1.
Variant type: single nucleotide variant.
Coding change: c.977C>T on transcript NM_004606.5 (MANE Select); coding-DNA position 977, C replaced by T.
Protein change: p.Thr326Ile; replaces threonine 326 with isoleucine.
Molecular consequence: missense variant. On other transcripts: non-coding transcript variant (9).
Genome position (GRCh38, 1-based): chrX:71,378,278, C>T. VCF-style: chrX-71378278-C-T. GRCh37 (hg19) VCF-style: chrX-70598128-C-T.
Other names: c.977C>T, p.Thr326Ile (NM_001286074.2); c.914C>T, p.Thr305Ile (NM_138923.4); short protein forms T305I, T326I.
Identifiers: ClinVar variation 1302349 (VCV001302349.3), dbSNP rs1346218744, ClinGen allele CA413508610.
Genomic context (GRCh38, chrX:71,378,278, plus strand): 5'-TCTTTCTTCTGTTACAGATCACGATGATGGCTCCTGTGGAGTCCAAATTTTCCCAATCAA[C>T]TGGAGATATAGATAAAGTGACAGATACCAAACCAAGAGTGGCTGAGTGGCGTTATGGGCC-3'
Protein context (NP_004597.3, residues 316-336): APVESKFSQS[Thr326Ile]GDIDKVTDTK

ClinVar aggregate classification (germline): Uncertain significance. Review status: criteria provided, multiple submitters, no conflicts (2 of 4 stars). 2 submissions from 2 submitters: Uncertain significance (2). Last evaluated 2022-09-05.

Allele frequency attached by ClinVar (database versions not stated): gnomAD 0.00001; gnomAD exomes 0.00001 and 0.00003; TOPMed 0.00001.
gnomAD v4.1: 29 of 1,209,947 alleles (0.0024%); highest among the groups gnomAD compares: African/African-American, 0.0035%; no homozygotes.

Submissions (2):

Blueprint Genetics
Classification: Uncertain significance. Last evaluated: 2022-09-05. Review status: criteria provided, single submitter. Criteria: ACMG Guidelines, 2015. Collection method: clinical testing. Allele origin: germline.

GeneDx
Classification: Uncertain significance. Last evaluated: 2019-07-16. Review status: criteria provided, single submitter. Criteria: GeneDx Variant Classification Process June 2021. Collection method: clinical testing. Allele origin: germline. Affected: yes.
Comment: Not observed at a significant frequency in large population cohorts (Lek et al., 2016); In silico analysis, which includes protein predictors and evolutionary conservation, supports a deleterious effect; Has not been previously published as pathogenic or benign to our knowledge